The following is an entry in ClinVar:

NM_024312.5(GNPTAB):c.3569dup (p.Asn1190fs)

Gene: GNPTAB (N-acetylglucosamine-1-phosphate transferase subunits alpha and beta; minus strand). Cytogenetic location: 12q23.2.
Variant type: Duplication.
Coding change: c.3569dup on transcript NM_024312.5 (MANE Select); coding-DNA position 3569, one base duplicated (A; older notation c.3569dupA).
Protein change: p.Asn1190fs; shifts the reading frame from asparagine 1190.
Molecular consequence: frameshift variant.
Genome position (GRCh38, 1-based): chr12:101,753,405, T duplicated on the plus strand (A on the coding strand, the reverse complement: GNPTAB is on the minus strand); the first of 3 consecutive T bases (chr12:101,753,405-101,753,407); duplicating any one gives the same sequence. VCF-style (leftmost placement, unchanged base first): chr12-101753404-G-GT. GRCh37 (hg19) VCF-style: chr12-102147182-G-GT.
Other names: AY687932:c.3566_3567insA; AY687932:c.3566insA; short protein forms N1190fs.
Identifiers: ClinVar variation 38428 (VCV000038428.3), dbSNP rs281865039, ClinGen allele CA343080.

ClinVar aggregate classification (germline): Pathogenic (0 of 4 stars; one submission).

Conditions:
Mucolipidosis type II. Also called: Mucolipidosis 2; ML 2; Inclusion cell disease; Leroy Disease; N-acetylglucosamine 1phosphotransferase deficiency; ML disorder type 2. Identifiers: Orphanet 576, MedGen C2673377, MONDO:0009650, OMIM 252500.

Submission:

GeneReviews
Classification: Pathogenic for Mucolipidosis II. Last evaluated: 2012-05-10. Review status: no assertion criteria provided. Collection method: curation. Allele origin: unknown.
ClinVar note: Converted during submission from pathologic to Pathogenic.